The following is an entry in ClinVar:

ClinVar aggregate classification (germline): Uncertain significance (1 of 4 stars; one submission).

gnomAD v4.1: 4 of 1,612,160 alleles (0.00025%); highest among the groups gnomAD compares: Non-Finnish European, 0.00034%; no homozygotes.

Submission:

Labcorp Genetics (formerly Invitae), Labcorp
Classification: Uncertain significance. Last evaluated: 2025-02-11. Review status: criteria provided, single submitter. Criteria: Invitae Variant Classification Sherloc (09022015). Collection method: clinical testing. Allele origin: germline.
Comment: This sequence change replaces phenylalanine, which is neutral and non-polar, with leucine, which is neutral and non-polar, at codon 478 of the CLCN7 protein (p.Phe478Leu). This variant is not present in population databases (gnomAD no frequency). This variant has not been reported in the literature in individuals affected with CLCN7-related conditions. An algorithm developed to predict the effect of missense changes on protein structure and function (PolyPhen-2) suggests that this variant is likely to be disruptive. In summary, the available evidence is currently insufficient to determine the role of this variant in disease. Therefore, it has been classified as a Variant of Uncertain Significance.

NM_001287.6(CLCN7):c.1432T>C (p.Phe478Leu)

Gene: CLCN7 (chloride voltage-gated channel 7; minus strand). Cytogenetic location: 16p13.3.
Variant type: single nucleotide variant.
Coding change: c.1432T>C on transcript NM_001287.6 (MANE Select); coding-DNA position 1432, T replaced by C.
Protein change: p.Phe478Leu; replaces phenylalanine 478 with leucine.
Molecular consequence: missense variant.
Genome position (GRCh38, 1-based): chr16:1,451,638, A>G on the plus strand (T>C on the coding strand, the complement: CLCN7 is on the minus strand). VCF-style: chr16-1451638-A-G. GRCh37 (hg19) VCF-style: chr16-1501639-A-G.
Other names: c.1360T>C, p.Phe454Leu (NM_001114331.3); short protein forms F454L, F478L.
Identifiers: ClinVar variation 4712790 (VCV004712790.1).